The following is an entry in ClinVar:

NM_182914.3(SYNE2):c.199C>T (p.Leu67Phe)

Gene: SYNE2 (spectrin repeat containing nuclear envelope protein 2; plus strand). Cytogenetic location: 14q23.2.
Variant type: single nucleotide variant.
Coding change: c.199C>T on transcript NM_182914.3 (MANE Select); coding-DNA position 199, C replaced by T.
Protein change: p.Leu67Phe; replaces leucine 67 with phenylalanine.
Molecular consequence: missense variant.
Genome position (GRCh38, 1-based): chr14:63,941,752, C>T. VCF-style: chr14-63941752-C-T. GRCh37 (hg19) VCF-style: chr14-64408470-C-T.
Other names: c.199C>T, p.Leu67Phe (NM_015180.6); short protein forms L67F.
Identifiers: ClinVar variation 970571 (VCV000970571.1), dbSNP rs954752155, ClinGen allele CA261795019.
Genomic context (GRCh38, chr14:63,941,752, plus strand): 5'-CAGCACACTTCTCCCTCAGTTATATCCGACCTATTCACAGACATTAAAAAGGGGCATGTC[C>T]TCCTGGATCTGCTAGAAGTACTTTCTGGGCAACAGTTGGTAAGATTTTTAAATGACACTG-3'
Protein context (NP_878918.2, residues 57-77): LFTDIKKGHV[Leu67Phe]LDLLEVLSGQ

ClinVar aggregate classification (germline): Uncertain significance (1 of 4 stars; one submission).

Conditions:
Emery-Dreifuss muscular dystrophy 5, autosomal dominant (EDMD5). Also called: EMERY-DREIFUSS MUSCULAR DYSTROPHY 5. Identifiers: Orphanet 261, MedGen C2751805, MONDO:0013072, OMIM 612999.

Allele frequency attached by ClinVar (database versions not stated): gnomAD 0.00001; TOPMed 0.00001; gnomAD exomes 0.00002.
gnomAD v4.1: 30 of 1,613,942 alleles (0.0019%); highest among the groups gnomAD compares: Non-Finnish European, 0.0025%; no homozygotes.

Submission:

Labcorp Genetics (formerly Invitae), Labcorp
Classification: Uncertain significance for Emery-Dreifuss muscular dystrophy 5, autosomal dominant. Last evaluated: 2019-10-29. Review status: criteria provided, single submitter. Criteria: Invitae Variant Classification Sherloc (09022015). Collection method: clinical testing. Allele origin: germline.
Comment: This sequence change replaces leucine with phenylalanine at codon 67 of the SYNE2 protein (p.Leu67Phe). The leucine residue is moderately conserved and there is a small physicochemical difference between leucine and phenylalanine. This variant is not present in population databases (ExAC no frequency). This variant has not been reported in the literature in individuals with SYNE2-related conditions. Algorithms developed to predict the effect of missense changes on protein structure and function are either unavailable or do not agree on the potential impact of this missense change (SIFT: "Deleterious"; PolyPhen-2: "Probably Damaging"; Align-GVGD: "Class C0"). In summary, the available evidence is currently insufficient to determine the role of this variant in disease. Therefore, it has been classified as a Variant of Uncertain Significance.